The following is an entry in ClinVar:

NM_004525.3(LRP2):c.12280A>G (p.Lys4094Glu)

Gene: LRP2 (LDL receptor related protein 2; minus strand). Cytogenetic location: 2q31.1.
Variant type: single nucleotide variant.
Coding change: c.12280A>G on transcript NM_004525.3 (MANE Select); coding-DNA position 12280, A replaced by G.
Protein change: p.Lys4094Glu; replaces lysine 4094 with glutamic acid.
Molecular consequence: missense variant.
Genome position (GRCh38, 1-based): chr2:169,154,475, T>C on the plus strand (A>G on the coding strand, the complement: LRP2 is on the minus strand). VCF-style: chr2-169154475-T-C. GRCh37 (hg19) VCF-style: chr2-170010985-T-C.
Other names: short protein forms K4094E.
Identifiers: ClinVar variation 129500 (VCV000129500.29), dbSNP rs2075252, ClinGen allele CA153548.

ClinVar aggregate classification (germline): Benign. Review status: criteria provided, multiple submitters, no conflicts (2 of 4 stars). 12 submissions from 12 submitters: Benign (9). 3 of the submissions do not count toward it. Last evaluated 2026-02-04.

Conditions:
Donnai-Barrow syndrome. Also called: FACIOOCULOACOUSTICORENAL SYNDROME; DBS/FOAR SYNDROME. Identifiers: Orphanet 2143, MedGen C1857277, MONDO:0009104, OMIM 222448.

Allele frequency attached by ClinVar (database versions not stated): gnomAD exomes 0.75842 and 0.76093; ExAC 0.76213; 1000 Genomes Project 0.77796; 1000 Genomes Project 30x 0.78638; gnomAD 0.79276 and 0.79497; TOPMed 0.79903; ESP Exome Variant Server 0.80132.
gnomAD v4.1: 1,226,555 of 1,610,506 alleles (76%); highest among the groups gnomAD compares: African/African-American, 90%; 470,910 homozygotes.

Submissions (12):

Labcorp Genetics (formerly Invitae), Labcorp
Classification: Benign. Last evaluated: 2026-02-04. Review status: criteria provided, single submitter. Criteria: Invitae Variant Classification Sherloc (09022015). Collection method: clinical testing. Allele origin: germline.

Blueprint Genetics
Classification: Benign. Last evaluated: 2024-11-26. Review status: criteria provided, single submitter. Criteria: ACMG Guidelines, 2015. Collection method: clinical testing. Allele origin: germline.

Mayo Clinic Laboratories, Mayo Clinic
Classification: Benign. Last evaluated: 2023-03-01. Review status: criteria provided, single submitter. Criteria: ACMG Guidelines, 2015. Collection method: clinical testing. Allele origin: germline. Observed: 123 variant alleles.
Comment: BA1, BS2

Women's Health and Genetics/Laboratory Corporation of America, LabCorp
Classification: Benign. Last evaluated: 2021-12-03. Review status: criteria provided, single submitter. Criteria: LabCorp Variant Classification Summary - May 2015. Collection method: clinical testing. Allele origin: germline.

Genome-Nilou Lab
Classification: Benign for Donnai-Barrow syndrome. Last evaluated: 2021-08-19. Review status: criteria provided, single submitter. Criteria: ACMG Guidelines, 2015. Collection method: clinical testing. Allele origin: germline. Affected: no.

Illumina Laboratory Services, Illumina
Classification: Benign for Donnai-Barrow syndrome. Last evaluated: 2018-01-12. Review status: criteria provided, single submitter. Criteria: ICSL Variant Classification Criteria 13 December 2019. Collection method: clinical testing. Allele origin: germline.
Comment: This variant was observed in the ICSL laboratory as part of a predisposition screen in an ostensibly healthy population. It had not been previously curated by ICSL or reported in the Human Gene Mutation Database (HGMD: prior to June 1st, 2018), and was therefore a candidate for classification through an automated scoring system. Utilizing variant allele frequency, disease prevalence and penetrance estimates, and inheritance mode, an automated score was calculated to assess if this variant is too frequent to cause the disease. Based on the score and internal cut-off values, a variant classified as benign is not then subjected to further curation. The score for this variant resulted in a classification of benign for this disease.

GeneDx
Classification: Benign. Last evaluated: 2015-03-03. Review status: criteria provided, single submitter. Criteria: GeneDx Variant Classification Process June 2021. Collection method: clinical testing. Allele origin: germline. Affected: yes.
Comment: This variant is associated with the following publications: (PMID: 30476138)

Breakthrough Genomics
Classification: Benign. Review status: criteria provided, single submitter. Criteria: ACMG Guidelines, 2015. Collection method: not provided. Allele origin: germline. Inheritance: Autosomal recessive inheritance. Affected: yes.

PreventionGenetics, part of Exact Sciences
Classification: Benign. Review status: criteria provided, single submitter. Criteria: ACMG Guidelines, 2015. Collection method: clinical testing. Allele origin: germline.

Diagnostic Laboratory, Department of Genetics, University Medical Center Groningen
Classification: Benign. Review status: no assertion criteria provided. Collection method: clinical testing. Allele origin: germline. Affected: yes. Study: VKGL Data-share Consensus. Not counted in ClinVar's aggregate classification.

Genetic Services Laboratory, University of Chicago
Classification: Likely benign for AllHighlyPenetrant. Review status: no assertion criteria provided. Collection method: clinical testing. Allele origin: germline. Inheritance: Autosomal recessive inheritance. Not counted in ClinVar's aggregate classification.
Comment: Likely benign based on allele frequency in 1000 Genomes Project or ESP global frequency and its presence in a patient with a rare or unrelated disease phenotype. NOT Sanger confirmed.

Joint Genome Diagnostic Labs from Nijmegen and Maastricht, Radboudumc and MUMC+
Classification: Benign. Review status: no assertion criteria provided. Collection method: clinical testing. Allele origin: germline. Affected: yes. Study: VKGL Data-share Consensus. Not counted in ClinVar's aggregate classification.